The following is an entry in ClinVar:

NM_198586.3(NHLRC1):c.1027A>G (p.Ile343Val)

Gene: NHLRC1 (NHL repeat containing E3 ubiquitin protein ligase 1; minus strand). Cytogenetic location: 6p22.3.
Variant type: single nucleotide variant.
Coding change: c.1027A>G on transcript NM_198586.3 (MANE Select); coding-DNA position 1027, A replaced by G.
Protein change: p.Ile343Val; replaces isoleucine 343 with valine.
Molecular consequence: missense variant.
Genome position (GRCh38, 1-based): chr6:18,121,580, T>C on the plus strand (A>G on the coding strand, the complement: NHLRC1 is on the minus strand). VCF-style: chr6-18121580-T-C. GRCh37 (hg19) VCF-style: chr6-18121811-T-C.
Other names: short protein forms I343V.
Identifiers: ClinVar variation 1476267 (VCV001476267.3), dbSNP rs750935925, ClinGen allele CA3649886.

ClinVar aggregate classification (germline): Uncertain significance (1 of 4 stars; one submission).

Conditions:
Lafora disease. Also called: Epilepsy progressive myoclonic 2. Identifiers: Orphanet 501, MedGen C0751783, MONDO:0009697.

Allele frequency attached by ClinVar (database versions not stated): gnomAD exomes below 0.00001 and 0.00002; ExAC 0.00001.

Submission:

Labcorp Genetics (formerly Invitae), Labcorp
Classification: Uncertain significance for Lafora disease. Last evaluated: 2021-12-20. Review status: criteria provided, single submitter. Criteria: Invitae Variant Classification Sherloc (09022015). Collection method: clinical testing. Allele origin: germline.
Comment: This sequence change replaces isoleucine, which is neutral and non-polar, with valine, which is neutral and non-polar, at codon 343 of the NHLRC1 protein (p.Ile343Val). This variant is present in population databases (rs750935925, gnomAD 0.02%). This variant has not been reported in the literature in individuals affected with NHLRC1-related conditions. Algorithms developed to predict the effect of missense changes on protein structure and function output the following: SIFT: "Tolerated"; PolyPhen-2: "Benign"; Align-GVGD: "Class C0". The valine amino acid residue is found in multiple mammalian species, which suggests that this missense change does not adversely affect protein function. In summary, the available evidence is currently insufficient to determine the role of this variant in disease. Therefore, it has been classified as a Variant of Uncertain Significance.